The following is an entry in ClinVar:

NM_182961.4(SYNE1):c.4189G>A (p.Glu1397Lys)

Gene: SYNE1 (spectrin repeat containing nuclear envelope protein 1; minus strand). Cytogenetic location: 6q25.2.
Variant type: single nucleotide variant.
Coding change: c.4189G>A on transcript NM_182961.4 (MANE Select); coding-DNA position 4189, G replaced by A.
Protein change: p.Glu1397Lys; replaces glutamic acid 1397 with lysine.
Molecular consequence: missense variant.
Genome position (GRCh38, 1-based): chr6:152,436,062, C>T on the plus strand (G>A on the coding strand, the complement: SYNE1 is on the minus strand). VCF-style: chr6-152436062-C-T. GRCh37 (hg19) VCF-style: chr6-152757197-C-T.
Other names: c.4210G>A, p.Glu1404Lys (NM_033071.5); short protein forms E1404K, E1397K.
Identifiers: ClinVar variation 596260 (VCV000596260.14), dbSNP rs149918889, ClinGen allele CA4058625.

ClinVar aggregate classification (germline): Uncertain significance. Review status: criteria provided, multiple submitters, no conflicts (2 of 4 stars). 4 submissions from 4 submitters: Uncertain significance (4). Last evaluated 2025-12-15.

Conditions:
Autosomal recessive ataxia, Beauce type. Also called: Spinocerebellar ataxia, autosomal recessive 8; ATAXIA, RECESSIVE, OF BEAUCE; SYNE1 Deficiency; SYNE1-Related Autosomal Recessive Cerebellar Ataxia. Identifiers: Orphanet 88644, MedGen C1853116, MONDO:0012549, OMIM 610743.
Emery-Dreifuss muscular dystrophy 4, autosomal dominant (EDMD4). Also called: EMERY-DREIFUSS MUSCULAR DYSTROPHY 4 WITH VARIABLE FEATURES. Identifiers: Orphanet 261, MedGen C2751807, MONDO:0013071, OMIM 612998.

Allele frequency attached by ClinVar (database versions not stated): ESP Exome Variant Server 0.00023; gnomAD 0.00026 and 0.00031; TOPMed 0.00031; 1000 Genomes Project 0.00040; 1000 Genomes Project 30x 0.00047; gnomAD exomes 0.00002 and 0.00008; ExAC 0.00008.
gnomAD v4.1: 72 of 1,614,078 alleles (0.0045%); highest among the groups gnomAD compares: African/African-American, 0.068%; no homozygotes.

Submissions (4):

GeneDx
Classification: Uncertain significance. Last evaluated: 2025-12-15. Review status: criteria provided, single submitter. Criteria: GeneDx Variant Classification Process June 2021. Collection method: clinical testing. Allele origin: germline. Affected: yes.
Comment: In silico analysis suggests that this missense variant does not alter protein structure/function; Has not been previously published as pathogenic or benign to our knowledge

Revvity Omics, Revvity
Classification: Uncertain significance. Last evaluated: 2024-09-11. Review status: criteria provided, single submitter. Criteria: ACMG Guidelines, 2015. Collection method: clinical testing. Allele origin: germline.

Labcorp Genetics (formerly Invitae), Labcorp
Classification: Uncertain significance for Emery-Dreifuss muscular dystrophy 4, autosomal dominant; Autosomal recessive ataxia, Beauce type. Last evaluated: 2022-08-15. Review status: criteria provided, single submitter. Criteria: Invitae Variant Classification Sherloc (09022015). Collection method: clinical testing. Allele origin: germline.
Comment: This sequence change replaces glutamic acid, which is acidic and polar, with lysine, which is basic and polar, at codon 1404 of the SYNE1 protein (p.Glu1404Lys). This variant is present in population databases (rs149918889, gnomAD 0.1%). This variant has not been reported in the literature in individuals affected with SYNE1-related conditions. ClinVar contains an entry for this variant (Variation ID: 596260). Algorithms developed to predict the effect of missense changes on protein structure and function are either unavailable or do not agree on the potential impact of this missense change (SIFT: "Deleterious"; PolyPhen-2: "Benign"; Align-GVGD: "Class C0"). In summary, the available evidence is currently insufficient to determine the role of this variant in disease. Therefore, it has been classified as a Variant of Uncertain Significance.

Eurofins Ntd Llc (ga)
Classification: Uncertain significance. Last evaluated: 2018-03-09. Review status: criteria provided, single submitter. Criteria: EGL ClinVar v180209 classification definitions. Collection method: clinical testing. Allele origin: germline. Observed: 1 variant allele, 1 heterozygote.